The following is an entry in ClinVar:

ClinVar aggregate classification (germline): Likely benign. Review status: criteria provided, multiple submitters, no conflicts (2 of 4 stars). 3 submissions from 3 submitters: Likely benign (3). Last evaluated 2026-01-25.

Conditions:
Cardiovascular phenotype. Identifiers: MedGen CN230736.
Long QT syndrome (LQTS). Identifiers: MedGen C0023976, MeSH D008133, MONDO:0002442. Disease mechanism: loss of function. Inheritance: Various modes of inheritance.

Allele frequency attached by ClinVar (database versions not stated): gnomAD 0.00001; gnomAD exomes 0.00001.
gnomAD v4.1: 14 of 1,453,166 alleles (0.00096%); highest among the groups gnomAD compares: Admixed American, 0.008%; no homozygotes.

Submissions (3):

Labcorp Genetics (formerly Invitae), Labcorp
Classification: Likely benign for Long QT syndrome. Last evaluated: 2026-01-25. Review status: criteria provided, single submitter. Criteria: Invitae Variant Classification Sherloc (09022015). Collection method: clinical testing. Allele origin: germline.

CeGaT Center for Human Genetics Tuebingen
Classification: Likely benign. Last evaluated: 2024-12-01. Review status: criteria provided, single submitter. Criteria: CeGaT Center For Human Genetics Tuebingen Variant Classification Criteria Version 2. Collection method: clinical testing. Allele origin: germline. Affected: yes. Observed: 1 variant allele.
Comment: KCNH2: BP4, BP7

Ambry Genetics
Classification: Likely benign for Cardiovascular phenotype. Last evaluated: 2019-09-27. Review status: criteria provided, single submitter. Criteria: Ambry Variant Classification Scheme 2023. Collection method: clinical testing. Allele origin: germline.

NM_000238.4(KCNH2):c.579C>T (p.Ala193=)

Gene: KCNH2 (potassium voltage-gated channel subfamily H member 2; minus strand). Cytogenetic location: 7q36.1.
Variant type: single nucleotide variant.
Coding change: c.579C>T on transcript NM_000238.4 (MANE Select); coding-DNA position 579, C replaced by T.
Protein change: p.Ala193=; no amino-acid change (alanine 193 retained).
Molecular consequence: synonymous variant. On other transcripts: non-coding transcript variant (1).
Genome position (GRCh38, 1-based): chr7:150,958,396, G>A on the plus strand (C>T on the coding strand, the complement: KCNH2 is on the minus strand). VCF-style: chr7-150958396-G-A. GRCh37 (hg19) VCF-style: chr7-150655484-G-A.
Other names: c.291C>T, p.Ala97= (NM_001406753.1, NM_001406756.1); c.402C>T, p.Ala134= (NM_001406755.1); c.279C>T, p.Ala93= (NM_001406757.1); c.579C>T, p.Ala193= (NM_172056.3).
Identifiers: ClinVar variation 1623364 (VCV001623364.24), dbSNP rs778362419, ClinGen allele CA040032.
Genomic context (GRCh38, chr7:150,958,396, plus strand): 5'-GTCCAGGGCCAGCGACTCGCTGCTGGGTGCCGCGGGCGTCAGGTCCACGTCCACCACCAC[G>A]GCCCCCGGGGCGCCCGCGCCGCCCGCGCCGCCCGACCGCACCGACGACTCCCGGGCCGTC-3'
Protein context (NP_000229.1, residues 183-203): GGAGGAGAPG[Ala193=]VVVDVDLTPA